The following is an entry in ClinVar:

NM_001042492.3(NF1):c.6736_6737del (p.Pro2246fs)

Gene: NF1 (neurofibromin 1; plus strand). Cytogenetic location: 17q11.2.
Variant type: Deletion.
Coding change: c.6736_6737del on transcript NM_001042492.3 (MANE Select); coding-DNA positions 6736 to 6737, 2 bases deleted (CC; older notation c.6736_6737delCC).
Protein change: p.Pro2246fs; shifts the reading frame from proline 2246.
Molecular consequence: frameshift variant.
Genome position (GRCh38, 1-based): chr17:31,338,056-31,338,057, CC deleted. VCF-style (leftmost placement, unchanged base first): chr17-31338055-ACC-A. GRCh37 (hg19) VCF-style: chr17-29665073-ACC-A.
Other names: c.6673_6674delCC, p.Pro2225Lysfs (NM_000267.4); short protein forms P2225fs, P2246fs.
Identifiers: ClinVar variation 2748375 (VCV002748375.3), dbSNP rs2508759114, ClinGen allele CA2697559606.

ClinVar aggregate classification (germline): Pathogenic (1 of 4 stars; one submission).

Conditions:
Neurofibromatosis, type 1 (NF1). Also called: Peripheral type neurofibromatosis; NEUROFIBROMATOSIS, TYPE I, SOMATIC; VON RECKLINGHAUSEN DISEASE; Neurofibromatosis, type I. Identifiers: Orphanet 636, MedGen C0027831, MONDO:0018975, OMIM 162200. Disease mechanism: loss of function.

Submission:

Labcorp Genetics (formerly Invitae), Labcorp
Classification: Pathogenic for Neurofibromatosis, type 1. Last evaluated: 2023-07-30. Review status: criteria provided, single submitter. Criteria: Invitae Variant Classification Sherloc (09022015). Collection method: clinical testing. Allele origin: germline.
Comment: This sequence change creates a premature translational stop signal (p.Pro2225Lysfs*10) in the NF1 gene. It is expected to result in an absent or disrupted protein product. Loss-of-function variants in NF1 are known to be pathogenic (PMID: 10712197, 23913538). This variant is not present in population databases (gnomAD no frequency). For these reasons, this variant has been classified as Pathogenic. Algorithms developed to predict the effect of sequence changes on RNA splicing suggest that this variant may disrupt the consensus splice site. This variant has not been reported in the literature in individuals affected with NF1-related conditions.

Literature cited by the submitters: PubMed 10712197; PubMed 23913538.